The following is an entry in ClinVar:

ClinVar aggregate classification (germline): Uncertain significance. Review status: criteria provided, multiple submitters, no conflicts (2 of 4 stars). 2 submissions from 2 submitters: Uncertain significance (2). Last evaluated 2025-02-26.

Conditions:
Monocytopenia with susceptibility to infections. Also called: MONOCYTOPENIA AND MYCOBACTERIAL INFECTION SYNDROME; MONOCYTOPENIA WITH SUSCEPTIBILITY TO MYCOBACTERIAL, FUNGAL, AND PAPILLOMAVIRUS INFECTIONS AND MYELODYSPLASIA; COMBINED IMMUNODEFICIENCY WITH SUSCEPTIBILITY TO MYCOBACTERIAL, VIRAL, AND FUNGAL INFECTIONS; Dendritic cell, monocyte, B lymphocyte, and natural killer lymphocyte deficiency; IMMUNODEFICIENCY 21; GATA2 DEFICIENCY. Identifiers: Orphanet 228423, MedGen C3280030, MONDO:0013607, OMIM 614172.
Deafness-lymphedema-leukemia syndrome. Also called: Lymphedema, primary, with myelodysplasia; Emberger syndrome. Identifiers: Orphanet 3226, MedGen C3279664, MONDO:0013540, OMIM 614038.
Inborn genetic diseases. Identifiers: MedGen C0950123, MeSH D030342.

Allele frequency attached by ClinVar (database versions not stated): TOPMed below 0.00001.

Submissions (2):

Ambry Genetics
Classification: Uncertain significance for Inborn genetic diseases. Last evaluated: 2025-02-26. Review status: criteria provided, single submitter. Criteria: Ambry Variant Classification Scheme 2023. Collection method: clinical testing. Allele origin: germline.
Comment: The p.P247L variant (also known as c.740C>T), located in coding exon 2 of the GATA2 gene, results from a C to T substitution at nucleotide position 740. The proline at codon 247 is replaced by leucine, an amino acid with similar properties. This amino acid position is conserved. In addition, this alteration is predicted to be deleterious by in silico analysis. Based on the available evidence, the clinical significance of this variant remains unclear.

Labcorp Genetics (formerly Invitae), Labcorp
Classification: Uncertain significance for Monocytopenia with susceptibility to infections; Deafness-lymphedema-leukemia syndrome. Last evaluated: 2022-11-26. Review status: criteria provided, single submitter. Criteria: Invitae Variant Classification Sherloc (09022015). Collection method: clinical testing. Allele origin: germline.
Comment: This sequence change replaces proline, which is neutral and non-polar, with leucine, which is neutral and non-polar, at codon 247 of the GATA2 protein (p.Pro247Leu). This variant is not present in population databases (gnomAD no frequency). This variant has not been reported in the literature in individuals affected with GATA2-related conditions. ClinVar contains an entry for this variant (Variation ID: 958492). Advanced modeling of protein sequence and biophysical properties (such as structural, functional, and spatial information, amino acid conservation, physicochemical variation, residue mobility, and thermodynamic stability) has been performed at Invitae for this missense variant, however the output from this modeling did not meet the statistical confidence thresholds required to predict the impact of this variant on GATA2 protein function. In summary, the available evidence is currently insufficient to determine the role of this variant in disease. Therefore, it has been classified as a Variant of Uncertain Significance.

NM_032638.5(GATA2):c.740C>T (p.Pro247Leu)

Gene: GATA2 (GATA binding protein 2; minus strand). Cytogenetic location: 3q21.3.
Variant type: single nucleotide variant.
Coding change: c.740C>T on transcript NM_032638.5 (MANE Select); coding-DNA position 740, C replaced by T.
Protein change: p.Pro247Leu; replaces proline 247 with leucine.
Molecular consequence: missense variant.
Genome position (GRCh38, 1-based): chr3:128,485,858, G>A on the plus strand (C>T on the coding strand, the complement: GATA2 is on the minus strand). VCF-style: chr3-128485858-G-A. GRCh37 (hg19) VCF-style: chr3-128204701-G-A.
Other names: c.740C>T, p.Pro247Leu (NM_001145661.2, NM_001145662.1); short protein forms P247L.
Identifiers: ClinVar variation 958492 (VCV000958492.10), dbSNP rs2068688361, ClinGen allele CA354406078.